The following is an entry in ClinVar:

ClinVar aggregate classification (germline): Uncertain significance (1 of 4 stars; one submission).

Conditions:
Hereditary cancer-predisposing syndrome. Also called: Neoplastic Syndromes, Hereditary; Tumor predisposition; Hereditary neoplastic syndrome; Hereditary Cancer Syndrome. Identifiers: Orphanet 140162, MedGen C0027672, MeSH D009386, MONDO:0015356.

Submission:

Ambry Genetics
Classification: Uncertain significance for Hereditary cancer-predisposing syndrome. Last evaluated: 2026-07-07. Review status: criteria provided, single submitter. Criteria: Ambry Variant Classification Scheme 2023. Collection method: clinical testing. Allele origin: germline.
Comment: The p.L75S variant (also known as c.224T>C), located in coding exon 4 of the MAX gene, results from a T to C substitution at nucleotide position 224. The leucine at codon 75 is replaced by serine, an amino acid with dissimilar properties. This amino acid position is conserved. In addition, the in silico prediction for this alteration is inconclusive. Based on the available evidence, the clinical significance of this variant remains unclear.

NM_002382.5(MAX):c.172-6211T>C

Gene: MAX (MYC associated transcriptional regulator X; minus strand). Cytogenetic location: 14q23.3.
Variant type: single nucleotide variant.
Coding change: c.172-6211T>C on transcript NM_002382.5 (MANE Select); 6211 bases into the intron before coding-DNA position 172, T replaced by C.
Molecular consequence: intron variant. On other transcripts: missense variant (3), stop lost (1), non-coding transcript variant (4).
Genome position (GRCh38, 1-based): chr14:65,084,247, A>G on the plus strand (T>C on the coding strand, the complement: MAX is on the minus strand). VCF-style: chr14-65084247-A-G. GRCh37 (hg19) VCF-style: chr14-65550965-A-G.
Other names: c.197T>C, p.Leu66Ser (NM_001271068.2, NM_001407113.1); c.247T>C, p.Ter83Arg (NM_001407114.1); c.224T>C, p.Leu75Ser (NM_145114.3); c.144+9461T>C (NM_001271069.2); c.171+9461T>C (NM_197957.4); c.-196-6211T>C (NM_001407112.1, NM_001407111.1); c.-103-6211T>C (NM_001407106.1, NM_001407107.1, NM_001320415.2 and 1 more transcripts); c.145-6211T>C (NM_001407095.1, NM_001407110.1, NM_001407102.1 and 6 more transcripts); and 2 more; short protein forms L66S, L75S.
Identifiers: ClinVar variation 5023978 (VCV005023978.1).